The following is an entry in ClinVar:

ClinVar aggregate classification (germline): Pathogenic (1 of 4 stars; one submission).

Submission:

Labcorp Genetics (formerly Invitae), Labcorp
Classification: Pathogenic. Last evaluated: 2022-06-26. Review status: criteria provided, single submitter. Criteria: Invitae Variant Classification Sherloc (09022015). Collection method: clinical testing. Allele origin: germline.
Comment: For these reasons, this variant has been classified as Pathogenic. This variant has not been reported in the literature in individuals affected with EYS-related conditions. This variant is not present in population databases (gnomAD no frequency). This sequence change creates a premature translational stop signal (p.Ser207Trpfs*8) in the EYS gene. It is expected to result in an absent or disrupted protein product. Loss-of-function variants in EYS are known to be pathogenic (PMID: 18836446, 20333770).

Literature cited by the submitters: PubMed 18836446; PubMed 20333770.

NM_001142800.2(EYS):c.618_619del (p.Ser207fs)

Gene: EYS (EGF-like photoreceptor maintenance factor; minus strand). Cytogenetic location: 6q12.
Variant type: Deletion.
Coding change: c.618_619del on transcript NM_001142800.2 (MANE Select); coding-DNA positions 618 to 619, 2 bases deleted (TT; older notation c.618_619delTT).
Protein change: p.Ser207fs; shifts the reading frame from serine 207.
Molecular consequence: frameshift variant.
Genome position (GRCh38, 1-based): chr6:65,494,792-65,494,793, AA deleted on the plus strand (TT on the coding strand, the reverse complement: EYS is on the minus strand); deleting any 2 consecutive bases within chr6:65,494,792-65,494,795 gives the same sequence; the c. name uses the placement nearest the transcript's 3' end. VCF-style (leftmost placement, unchanged base first): chr6-65494791-GAA-G. GRCh37 (hg19) VCF-style: chr6-66204684-GAA-G.
Other names: c.618_619del, p.Ser207fs (NM_001142801.2, NM_001292009.2, NM_198283.2); short protein forms S207fs.
Identifiers: ClinVar variation 1455573 (VCV001455573.6), dbSNP rs2127270969, ClinGen allele CA2573141045.